The following is an entry in ClinVar:

NM_015459.5(ATL3):c.1153G>A (p.Glu385Lys)

Genes: ATL3 (atlastin GTPase 3; minus strand), LNCROPM (lncRNA regulator of PLAAT3 mediated phospholipid metabolism; plus strand), LOC126861231 (CDK7 strongly-dependent group 2 enhancer GRCh37_chr11:63398741-63399940; plus strand). Cytogenetic location: 11q13.1.
Variant type: single nucleotide variant.
Coding change: c.1153G>A on transcript NM_015459.5 (MANE Select); coding-DNA position 1153, G replaced by A.
Protein change: p.Glu385Lys; replaces glutamic acid 385 with lysine.
Molecular consequence: missense variant.
Genome position (GRCh38, 1-based): chr11:63,631,426, C>T on the plus strand (G>A on the coding strand, the complement: ATL3 is on the minus strand). VCF-style: chr11-63631426-C-T. GRCh37 (hg19) VCF-style: chr11-63398898-C-T.
Other names: c.1099G>A, p.Glu367Lys (NM_001290048.2); c.1153G>A (NM_015459.3); short protein forms E367K, E385K.
Identifiers: ClinVar variation 2016394 (VCV002016394.6), dbSNP rs2495622197, ClinGen allele CA381025585.

ClinVar aggregate classification (germline): Uncertain significance. Review status: criteria provided, multiple submitters, no conflicts (2 of 4 stars). 2 submissions from 2 submitters: Uncertain significance (2). Last evaluated 2023-08-19.

Conditions:
Neuropathy, hereditary sensory, type 1F. Also called: HSN IF; Hereditary sensory neuropathy type IF. Identifiers: Orphanet 36386, MedGen C3810194, MONDO:0014286, OMIM 615632.
Inborn genetic diseases. Identifiers: MedGen C0950123, MeSH D030342.

Allele frequency attached by ClinVar (database versions not stated): gnomAD exomes below 0.00001.
gnomAD v4.1: 1 of 1,613,688 alleles (0.000062%); highest among the groups gnomAD compares: Non-Finnish European, 0.000085%; no homozygotes.

Submissions (2):

Ambry Genetics
Classification: Uncertain significance for Inborn genetic diseases. Last evaluated: 2023-08-19. Review status: criteria provided, single submitter. Criteria: Ambry Variant Classification Scheme 2023. Collection method: clinical testing. Allele origin: germline.

Labcorp Genetics (formerly Invitae), Labcorp
Classification: Uncertain significance for Neuropathy, hereditary sensory, type 1F. Last evaluated: 2022-09-15. Review status: criteria provided, single submitter. Criteria: Invitae Variant Classification Sherloc (09022015). Collection method: clinical testing. Allele origin: germline.
Comment: In summary, the available evidence is currently insufficient to determine the role of this variant in disease. Therefore, it has been classified as a Variant of Uncertain Significance. Advanced modeling of protein sequence and biophysical properties (such as structural, functional, and spatial information, amino acid conservation, physicochemical variation, residue mobility, and thermodynamic stability) performed at Invitae indicates that this missense variant is not expected to disrupt ATL3 protein function. This variant has not been reported in the literature in individuals affected with ATL3-related conditions. This variant is not present in population databases (gnomAD no frequency). This sequence change replaces glutamic acid, which is acidic and polar, with lysine, which is basic and polar, at codon 385 of the ATL3 protein (p.Glu385Lys).